The following is an entry in ClinVar:

NM_002626.6(PFKL):c.567C>T (p.Ile189=)

Gene: PFKL (phosphofructokinase, liver type; plus strand). Cytogenetic location: 21q22.3.
Variant type: single nucleotide variant.
Coding change: c.567C>T on transcript NM_002626.6 (MANE Select); coding-DNA position 567, C replaced by T.
Protein change: p.Ile189=; no amino-acid change (isoleucine 189 retained).
Molecular consequence: synonymous variant.
Genome position (GRCh38, 1-based): chr21:44,313,117, C>T. VCF-style: chr21-44313117-C-T. GRCh37 (hg19) VCF-style: chr21-45733000-C-T.
Other names: c.717C>T, p.Ile239= (NM_001002021.3).
Identifiers: ClinVar variation 4981021 (VCV004981021.1).

ClinVar aggregate classification (germline): Likely benign (1 of 4 stars; one submission).

Conditions:
PFKL-related disorder. Also called: PFKL-related condition.

Submission:

PreventionGenetics, part of Exact Sciences
Classification: Likely benign for PFKL-related condition. Last evaluated: 2025-11-26. Review status: criteria provided, single submitter. Criteria: ACMG Guidelines, 2015. Collection method: clinical testing. Allele origin: germline.
Comment: This variant is classified as likely benign based on ACMG/AMP sequence variant interpretation guidelines (Richards et al. 2015 PMID: 25741868, with internal and published modifications).